The following is an entry in ClinVar:

ClinVar aggregate classification (germline): Pathogenic. Review status: criteria provided, multiple submitters, no conflicts (2 of 4 stars). 16 submissions from 16 submitters: Pathogenic (15). 1 of the submissions does not count toward it. Last evaluated 2026-03-05.

Conditions:
CYP7B1-related disorder. Also called: CYP7B1-related condition.
Hereditary spastic paraplegia 5A (SPG5A). Also called: SPASTIC PARAPLEGIA 5A, AUTOSOMAL RECESSIVE. Identifiers: Orphanet 100986, MedGen C1849115, MONDO:0010047, OMIM 270800.
Congenital bile acid synthesis defect 3. Identifiers: Orphanet 79302, MedGen C3151147, MONDO:0013439, OMIM 613812.
Hereditary spastic paraplegia. Also called: Familial spastic paraparesis. Identifiers: Orphanet 685, MedGen C0037773, MONDO:0019064. Disease mechanism: loss of function.
Spastic paraplegia. Identifiers: MedGen C0037772, HP:0001258.

Allele frequency attached by ClinVar (database versions not stated): gnomAD exomes 0.00008; TOPMed 0.00010.
gnomAD v4.1: 84 of 1,613,554 alleles (0.0052%); highest among the groups gnomAD compares: Admixed American, 0.0083%; no homozygotes.

Submissions (16):

Women's Health and Genetics/Laboratory Corporation of America, LabCorp
Classification: Pathogenic for Hereditary spastic paraplegia. Last evaluated: 2026-03-05. Review status: criteria provided, single submitter. Criteria: LabCorp Variant Classification Summary - May 2015. Collection method: clinical testing. Allele origin: germline.
Comment: Variant summary: CYP7B1 c.825T>A (p.Tyr275X) results in a premature termination codon, predicted to cause a truncation of the encoded protein or absence of the protein due to nonsense mediated decay, which are commonly known mechanisms for disease. The variant allele was found at a frequency of 7.6e-05 in 250488 control chromosomes. This frequency is not significantly higher than estimated for disease-causing variants in CYP7B1, allowing no conclusion about variant significance. c.825T>A has been observed in individual(s) affected with Hereditary Spastic Paraplegia, Type 5a, including as a homozygous genotype (e.g. Goizet_2009). These data indicate that the variant is likely to be associated with disease. To our knowledge, no experimental evidence demonstrating an impact on protein function has been reported. The following publication has been ascertained in the context of this evaluation (PMID: 19439420). ClinVar contains an entry for this variant (Variation ID: 6105). Based on the evidence outlined above, the variant was classified as pathogenic.

Labcorp Genetics (formerly Invitae), Labcorp
Classification: Pathogenic for Spastic paraplegia. Last evaluated: 2026-01-18. Review status: criteria provided, single submitter. Criteria: Invitae Variant Classification Sherloc (09022015). Collection method: clinical testing. Allele origin: germline.
Comment: This sequence change creates a premature translational stop signal (p.Tyr275*) in the CYP7B1 gene. It is expected to result in an absent or disrupted protein product. Loss-of-function variants in CYP7B1 are known to be pathogenic (PMID: 9802883, 19363635, 19439420, 21541746, 21567895, 28039895). This variant is present in population databases (rs121908613, gnomAD 0.01%). This premature translational stop signal has been observed in individuals with hereditary spastic paraplegia (PMID: 18855023, 19439420, 19812052, 22384504, 27879220). It has also been observed to segregate with disease in related individuals. ClinVar contains an entry for this variant (Variation ID: 6105). Algorithms developed to predict the effect of sequence changes on RNA splicing suggest that this variant may disrupt the consensus splice site. For these reasons, this variant has been classified as Pathogenic.

Blueprint Genetics
Classification: Pathogenic for CYP7B1-related disorders. Last evaluated: 2024-11-26. Review status: criteria provided, single submitter. Criteria: ACMG Guidelines, 2015. Collection method: clinical testing. Allele origin: germline. Affected: yes. Observed: 5 variant alleles.

Fulgent Genetics
Classification: Pathogenic for Hereditary spastic paraplegia 5A; Congenital bile acid synthesis defect 3. Last evaluated: 2024-06-12. Review status: criteria provided, single submitter. Criteria: ACMG Guidelines, 2015. Collection method: clinical testing. Allele origin: germline.

GeneDx
Classification: Pathogenic. Last evaluated: 2024-01-12. Review status: criteria provided, single submitter. Criteria: GeneDx Variant Classification Process June 2021. Collection method: clinical testing. Allele origin: germline. Affected: yes.
Comment: Nonsense variant predicted to result in nonsense mediated decay in a gene for which loss of function is a known mechanism of disease; Not observed at significant frequency in large population cohorts (gnomAD); This variant is associated with the following publications: (PMID: 25525159, 21541746, 21452256, 31692161, 31589614, 25326635, 29482223, 22384504, 19812052, 31407473, 28832565, 28743945, 27879220, 34946825, 29228183, 18855023, 31345219, 19439420)

Kariminejad - Najmabadi Pathology & Genetics Center
Classification: Pathogenic for Hereditary spastic paraplegia 5A. Last evaluated: 2022-12-20. Review status: criteria provided, single submitter. Criteria: ACMG Guidelines, 2015. Collection method: clinical testing. Allele origin: germline. Inheritance: Autosomal recessive inheritance. Affected: yes.
Comment: PVS1, PP5, PM2

CeGaT Center for Human Genetics Tuebingen
Classification: Pathogenic. Last evaluated: 2021-10-01. Review status: criteria provided, single submitter. Criteria: CeGaT Center For Human Genetics Tuebingen Variant Classification Criteria Version 2. Collection method: clinical testing. Allele origin: germline. Affected: yes. Observed: 1 variant allele.

Institute of Medical Genetics and Applied Genomics, University Hospital Tübingen
Classification: Pathogenic. Last evaluated: 2020-10-23. Review status: criteria provided, single submitter. Criteria: ACMG Guidelines, 2015. Collection method: clinical testing. Allele origin: germline. Inheritance: Autosomal recessive inheritance. Affected: yes.

Institute of Human Genetics Munich, TUM University Hospital
Classification: Pathogenic for Hereditary spastic paraplegia 5A. Last evaluated: 2019-06-07. Review status: criteria provided, single submitter. Criteria: Classification criteria August 2017. Collection method: clinical testing. Allele origin: germline. Inheritance: Autosomal recessive inheritance. Affected: yes. Observed: 1 compound heterozygote.

Genome Diagnostics Laboratory, The Hospital for Sick Children
Classification: Pathogenic for Hereditary spastic paraplegia. Last evaluated: 2018-10-01. Review status: criteria provided, single submitter. Criteria: ACMG Guidelines, 2015. Collection method: clinical testing. Allele origin: germline. Affected: yes.

Baylor Genetics
Classification: Pathogenic for Hereditary spastic paraplegia 5A. Last evaluated: 2017-09-01. Review status: criteria provided, single submitter. Criteria: ACMG Guidelines, 2015. Collection method: clinical testing. Allele origin: germline. Inheritance: Autosomal recessive inheritance. Affected: yes.

Eurofins Ntd Llc (ga)
Classification: Pathogenic. Last evaluated: 2017-03-14. Review status: criteria provided, single submitter. Criteria: EGL Classification Definitions 2015. Collection method: clinical testing. Allele origin: germline. Observed: 3 variant alleles, 3 heterozygotes.

Unit for Genetic & Epidemiological Research on Neurological Disorders, Instituto de Investigação e Inovação em Saúde
Classification: Pathogenic for Hereditary spastic paraplegia. Last evaluated: 2017-03-07. Review status: criteria provided, single submitter. Criteria: Morais et al. (Eur J Hum Genet. 2017). Collection method: research. Allele origin: inherited. Affected: yes.

Athena Diagnostics
Classification: Pathogenic. Last evaluated: 2016-09-09. Review status: criteria provided, single submitter. Criteria: Athena Diagnostics Criteria. Collection method: clinical testing. Allele origin: germline.

Paris Brain Institute, Inserm - ICM
Classification: Pathogenic for Hereditary spastic paraplegia 5A. Review status: criteria provided, single submitter. Criteria: ACMG Guidelines, 2015. Collection method: clinical testing. Allele origin: unknown. Affected: yes. Observed: 2 variant alleles.

OMIM
Classification: Pathogenic for SPASTIC PARAPLEGIA 5A, AUTOSOMAL RECESSIVE. Last evaluated: 2009-04-01. Review status: no assertion criteria provided. Collection method: literature only. Allele origin: germline. Not counted in ClinVar's aggregate classification.

Literature cited by the submitters: PubMed 19439420 (cited by 4 submitters); PubMed 9802883 (cited by Labcorp Genetics (formerly Invitae), Labcorp); PubMed 19363635 (cited by Labcorp Genetics (formerly Invitae), Labcorp); PubMed 21541746 (cited by Labcorp Genetics (formerly Invitae), Labcorp); PubMed 21567895 (cited by Labcorp Genetics (formerly Invitae), Labcorp); PubMed 28039895 (cited by Labcorp Genetics (formerly Invitae), Labcorp); PubMed 18855023 (cited by Labcorp Genetics (formerly Invitae), Labcorp and OMIM); PubMed 19812052 (cited by Labcorp Genetics (formerly Invitae), Labcorp and Athena Diagnostics); PubMed 22384504 (cited by Labcorp Genetics (formerly Invitae), Labcorp and Athena Diagnostics); PubMed 27879220 (cited by Labcorp Genetics (formerly Invitae), Labcorp); PubMed 25326635 (cited by Baylor Genetics); PubMed 25525159 (cited by Athena Diagnostics).

NM_004820.5(CYP7B1):c.825T>A (p.Tyr275Ter)

Gene: CYP7B1 (cytochrome P450 family 7 subfamily B member 1; minus strand). Cytogenetic location: 8q12.3.
Variant type: single nucleotide variant.
Coding change: c.825T>A on transcript NM_004820.5 (MANE Select); coding-DNA position 825, T replaced by A.
Protein change: p.Tyr275Ter; replaces tyrosine 275 with a stop codon.
Molecular consequence: nonsense.
Genome position (GRCh38, 1-based): chr8:64,615,716, A>T on the plus strand (T>A on the coding strand, the complement: CYP7B1 is on the minus strand). VCF-style: chr8-64615716-A-T. GRCh37 (hg19) VCF-style: chr8-65528273-A-T.
Other names: c.825T>A, p.Tyr275Ter (NM_001324112.2); short protein forms Y275*.
Identifiers: ClinVar variation 6105 (VCV000006105.64), dbSNP rs121908613, ClinGen allele CA210944.
Genomic context (GRCh38, chr8:64,615,716, plus strand): 5'-TTATTTTAGGCAAGTGCTCATTCAGAAGTTCTTACCTCCTATTTCAAGGTCCTCGTGCAC[A>T]TAATATTTCTCCAGGACATCTTGCCTGCTTTGAAAAACTTCTGACCATCCTTGCATCTTG-3'